The following is an entry in ClinVar:

ClinVar aggregate classification (germline): Uncertain significance (1 of 4 stars; one submission).

Conditions:
Neuropathy, hereditary sensory and autonomic, type 2A (HSAN2A). Also called: ACROOSTEOLYSIS, GIACCAI TYPE; ACROOSTEOLYSIS, NEUROGENIC; MORVAN DISEASE; NEUROPATHY, CONGENITAL SENSORY; NEUROPATHY, HEREDITARY SENSORY RADICULAR, AUTOSOMAL RECESSIVE; NEUROPATHY, HEREDITARY SENSORY, TYPE IIA. Identifiers: Orphanet 970, MedGen C2752089, MONDO:0024309, OMIM 201300.
Pseudohypoaldosteronism type 2C (PHA2C). Also called: Pseudohypoaldosteronism Type IIC. Identifiers: Orphanet 757, Orphanet 88940, MedGen C1840391, MONDO:0013778, OMIM 614492.

Allele frequency attached by ClinVar (database versions not stated): gnomAD 0.00003; TOPMed 0.00003.

Submission:

Labcorp Genetics (formerly Invitae), Labcorp
Classification: Uncertain significance for Neuropathy, hereditary sensory and autonomic, type 2A; Pseudohypoaldosteronism type 2C. Last evaluated: 2023-01-08. Review status: criteria provided, single submitter. Criteria: Invitae Variant Classification Sherloc (09022015). Collection method: clinical testing. Allele origin: germline.
Comment: In summary, the available evidence is currently insufficient to determine the role of this variant in disease. Therefore, it has been classified as a Variant of Uncertain Significance. Algorithms developed to predict the effect of missense changes on protein structure and function are either unavailable or do not agree on the potential impact of this missense change (SIFT: "Tolerated"; PolyPhen-2: "Not Available"; Align-GVGD: "Class C0"). This variant has not been reported in the literature in individuals affected with WNK1-related conditions. This variant is present in population databases (no rsID available, gnomAD 0.02%). This sequence change replaces proline, which is neutral and non-polar, with serine, which is neutral and polar, at codon 714 of the WNK1 protein (p.Pro714Ser).

NM_213655.5(WNK1):c.2140C>T (p.Pro714Ser)

Gene: WNK1 (WNK lysine deficient protein kinase 1; plus strand). Cytogenetic location: 12p13.33.
Variant type: single nucleotide variant.
Coding change: c.2140C>T on transcript NM_213655.5 (MANE Plus Clinical); coding-DNA position 2140, C replaced by T.
Protein change: p.Pro714Ser; replaces proline 714 with serine.
Molecular consequence: missense variant. On other transcripts: intron variant (3).
Genome position (GRCh38, 1-based): chr12:865,110, C>T. VCF-style: chr12-865110-C-T. GRCh37 (hg19) VCF-style: chr12-974276-C-T.
Other names: c.2139+2840C>T (NM_018979.4, NM_014823.3); c.2140-2756C>T (NM_001184985.2); short protein forms P714S.
Identifiers: ClinVar variation 2932929 (VCV002932929.3), dbSNP rs957726924, ClinGen allele CA231495062.
Genomic context (GRCh38, chr12:865,110, plus strand): 5'-TTTGTTTATTTTGTTTTCACAGTACTGTGTTTTTCATGTGTGTGTTTGTTTTGTGTTGAG[C>T]CTCGTCGTGGCCGTAGCATGTCGGTTTGTGTTCCCATCTTTCTGCTGTTGCCTCTGTGTC-3'
Protein context (NP_998820.3, residues 704-724): PHGVYPPSSV[Pro714Ser]RRGRSMSVCV